The following is an entry in ClinVar:

ClinVar aggregate classification (germline): Uncertain significance. Review status: criteria provided, multiple submitters, no conflicts (2 of 4 stars). 2 submissions from 2 submitters: Uncertain significance (2). Last evaluated 2024-11-11.

Conditions:
Hereditary cancer-predisposing syndrome. Also called: Neoplastic Syndromes, Hereditary; Tumor predisposition; Hereditary Cancer Syndrome; Hereditary neoplastic syndrome. Identifiers: Orphanet 140162, MedGen C0027672, MeSH D009386, MONDO:0015356.
Gastrointestinal stromal tumor. Also called: Gastrointestinal stromal tumor, somatic; Gastrointestinal stroma tumor. Identifiers: Orphanet 44890, MedGen C0238198, MeSH D046152, MONDO:0011719, OMIM 606764, HP:0100723.

Allele frequency attached by ClinVar (database versions not stated): TOPMed below 0.00001.

Submissions (2):

Ambry Genetics
Classification: Uncertain significance for Hereditary cancer-predisposing syndrome. Last evaluated: 2024-11-11. Review status: criteria provided, single submitter. Criteria: Ambry Variant Classification Scheme 2023. Collection method: clinical testing. Allele origin: germline.

Labcorp Genetics (formerly Invitae), Labcorp
Classification: Uncertain significance for Gastrointestinal stromal tumor. Last evaluated: 2023-12-04. Review status: criteria provided, single submitter. Criteria: Invitae Variant Classification Sherloc (09022015). Collection method: clinical testing. Allele origin: germline.
Comment: This sequence change replaces arginine, which is basic and polar, with methionine, which is neutral and non-polar, at codon 560 of the PDGFRA protein (p.Arg560Met). This variant is not present in population databases (gnomAD no frequency). This variant has not been reported in the literature in individuals affected with PDGFRA-related conditions. ClinVar contains an entry for this variant (Variation ID: 849992). Advanced modeling of protein sequence and biophysical properties (such as structural, functional, and spatial information, amino acid conservation, physicochemical variation, residue mobility, and thermodynamic stability) performed at Invitae indicates that this missense variant is not expected to disrupt PDGFRA protein function with a negative predictive value of 80%. In summary, the available evidence is currently insufficient to determine the role of this variant in disease. Therefore, it has been classified as a Variant of Uncertain Significance.

NM_006206.6(PDGFRA):c.1679G>T (p.Arg560Met)

Gene: PDGFRA (platelet derived growth factor receptor alpha; plus strand). Cytogenetic location: 4q12.
Variant type: single nucleotide variant.
Coding change: c.1679G>T on transcript NM_006206.6 (MANE Select); coding-DNA position 1679, G replaced by T.
Protein change: p.Arg560Met; replaces arginine 560 with methionine.
Molecular consequence: missense variant.
Genome position (GRCh38, 1-based): chr4:54,274,866, G>T. VCF-style: chr4-54274866-G-T. GRCh37 (hg19) VCF-style: chr4-55141033-G-T.
Other names: c.1679G>T, p.Arg560Met (NM_001347827.2, NM_001347829.2); c.1754G>T, p.Arg585Met (NM_001347828.2); c.1718G>T, p.Arg573Met (NM_001347830.2); short protein forms R585M, R573M, R560M.
Identifiers: ClinVar variation 849992 (VCV000849992.13), dbSNP rs1723631222, ClinGen allele CA356893072.